The following is an entry in ClinVar:

NM_000312.4(PROC):c.1258G>A (p.Val420Met)

Gene: PROC (protein C, inactivator of coagulation factors Va and VIIIa; plus strand). Cytogenetic location: 2q14.3.
Variant type: single nucleotide variant.
Coding change: c.1258G>A on transcript NM_000312.4 (MANE Select); coding-DNA position 1258, G replaced by A.
Protein change: p.Val420Met; replaces valine 420 with methionine.
Molecular consequence: missense variant.
Genome position (GRCh38, 1-based): chr2:127,428,818, G>A. VCF-style: chr2-127428818-G-A. GRCh37 (hg19) VCF-style: chr2-128186394-G-A.
Other names: c.1441G>A, p.Val481Met (NM_001375602.1); c.1423G>A, p.Val475Met (NM_001375603.1); c.1321G>A, p.Val441Met (NM_001375604.1); c.1360G>A, p.Val454Met (NM_001375605.1); c.1426G>A, p.Val476Met (NM_001375606.1); c.1444G>A, p.Val482Met (NM_001375607.1); c.1201G>A, p.Val401Met (NM_001375608.1); c.1234G>A, p.Val412Met (NM_001375609.1); and 2 more; short protein forms V412M, V441M, V454M, V482M, V418M, V420M, V475M, V476M.
Identifiers: ClinVar variation 4750026 (VCV004750026.1).

ClinVar aggregate classification (germline): Uncertain significance (1 of 4 stars; one submission).

Conditions:
Thrombophilia due to protein C deficiency, autosomal dominant. Also called: PROC DEFICIENCY, AUTOSOMAL DOMINANT; PROTEIN C DEFICIENCY, AUTOSOMAL DOMINANT. Identifiers: Orphanet 745, MedGen C2674321, MONDO:0008316, OMIM 176860. Disease mechanism: loss of function.

Submission:

Labcorp Genetics (formerly Invitae), Labcorp
Classification: Uncertain significance for Thrombophilia due to protein C deficiency, autosomal dominant. Last evaluated: 2025-09-28. Review status: criteria provided, single submitter. Criteria: Invitae Variant Classification Sherloc (09022015). Collection method: clinical testing. Allele origin: germline.
Comment: This sequence change replaces valine, which is neutral and non-polar, with methionine, which is neutral and non-polar, at codon 420 of the PROC protein (p.Val420Met). This variant is not present in population databases (gnomAD no frequency). This missense change has been observed in individual(s) with autosomal dominant protein C deficiency disease (PMID: 32717757). Invitae Evidence Modeling of protein sequence and biophysical properties (such as structural, functional, and spatial information, amino acid conservation, physicochemical variation, residue mobility, and thermodynamic stability) indicates that this missense variant is expected to disrupt PROC protein function with a positive predictive value of 80%. In summary, the available evidence is currently insufficient to determine the role of this variant in disease. Therefore, it has been classified as a Variant of Uncertain Significance.

Literature cited by the submitters: PubMed 32717757.